The following is an entry in ClinVar:

NM_016169.4(SUFU):c.684-2A>T

Gene: SUFU (SUFU negative regulator of hedgehog signaling; plus strand). Cytogenetic location: 10q24.32.
Variant type: single nucleotide variant.
Coding change: c.684-2A>T on transcript NM_016169.4 (MANE Select); the canonical splice acceptor site of the intron before coding-DNA position 684, A replaced by T.
Molecular consequence: splice acceptor variant.
Genome position (GRCh38, 1-based): chr10:102,593,991, A>T. VCF-style: chr10-102593991-A-T. GRCh37 (hg19) VCF-style: chr10-104353748-A-T.
Other names: c.684-2A>T (NM_001178133.2).
Identifiers: ClinVar variation 3776287 (VCV003776287.1).

ClinVar aggregate classification (germline): Likely pathogenic (1 of 4 stars; one submission).

Conditions:
SUFU-related ocular motor apraxia.

Submission:

3billion
Classification: Likely pathogenic for SUFU-related ocular motor apraxia. Last evaluated: 2024-01-08. Review status: criteria provided, single submitter. Criteria: ACMG Guidelines, 2015. Collection method: clinical testing. Allele origin: germline. Affected: yes.
Comment: The variant is not observed in the gnomAD v2.1.1 dataset. Predicted Consequence/Location: Canonical splice site: predicted to alter splicing and result in a loss or disruption of normal protein function. Multiple pathogenic loss-of-function variants are reported downstream of the variant. Therefore, this variant is classified as Likely pathogenic according to the recommendation of ACMG/AMP guideline.